The following is an entry in ClinVar:

NM_002755.4(MAP2K1):c.154G>C (p.Ala52Pro)

Gene: MAP2K1 (mitogen-activated protein kinase kinase 1; plus strand). Cytogenetic location: 15q22.31.
Variant type: single nucleotide variant.
Coding change: c.154G>C on transcript NM_002755.4 (MANE Select); coding-DNA position 154, G replaced by C.
Protein change: p.Ala52Pro; replaces alanine 52 with proline.
Molecular consequence: missense variant.
Genome position (GRCh38, 1-based): chr15:66,435,100, G>C. VCF-style: chr15-66435100-G-C. GRCh37 (hg19) VCF-style: chr15-66727438-G-C.
Other names: c.88G>C, p.Ala30Pro (NM_001411065.1); short protein forms A30P, A52P.
Identifiers: ClinVar variation 4280604 (VCV004280604.1).
Genomic context (GRCh38, chr15:66,435,100, plus strand): 5'-GCCTTGCAGAAGAAGCTGGAGGAGCTAGAGCTTGATGAGCAGCAGCGAAAGCGCCTTGAG[G>C]CCTTTCTTACCCAGAAGCAGAAGGTGGGAGAACTGAAGGATGACGACTTTGAGAAGATCA-3'
Protein context (NP_002746.1, residues 42-62): LDEQQRKRLE[Ala52Pro]FLTQKQKVGE

ClinVar aggregate classification (germline): Likely pathogenic (1 of 4 stars; one submission).

Conditions:
Cardiofaciocutaneous syndrome 3 (CFC3). Also called: MAP2K1-Related Cardiofaciocutaneous Syndrome. Identifiers: Orphanet 1340, MedGen C3809006, MONDO:0014113, OMIM 615279.

Submission:

Department of Paediatric Medicine, Post Graduation Institute of Medical Education and Research
Classification: Likely pathogenic for Cardiofaciocutaneous syndrome 3. Last evaluated: 2025-10-01. Review status: criteria provided, single submitter. Criteria: ACMG Guidelines, 2015. Collection method: clinical testing. Allele origin: unknown. Inheritance: Autosomal dominant inheritance. Affected: yes. Observed: 1 variant allele, 1 heterozygote.
Comment: This variant is not reported in gnomad/1000G. Non-truncating non-synonymous variant is located in a mutational hot spot and/or critical and well-established functional domain. Missense variant in a gene with low rate of benign missense mutations and for which missense mutation is a common mechanism of a disease.